The following is an entry in ClinVar:

ClinVar aggregate classification (germline): Uncertain significance (1 of 4 stars; one submission).

gnomAD v4.1: 1 of 1,614,126 alleles (0.000062%); highest among the groups gnomAD compares: Non-Finnish European, 0.000085%; no homozygotes.

Submission:

Ambry Genetics
Classification: Uncertain significance. Last evaluated: 2025-05-20. Review status: criteria provided, single submitter. Criteria: Ambry Variant Classification Scheme 2023. Collection method: clinical testing. Allele origin: germline.
Comment: The p.T1126S variant (also known as c.3376A>T), located in coding exon 1 of the TET2 gene, results from an A to T substitution at nucleotide position 3376. The threonine at codon 1126 is replaced by serine, an amino acid with similar properties. This amino acid position is conserved. In addition, this alteration is predicted to be tolerated by in silico analysis. Based on the available evidence, the clinical significance of this variant remains unclear.

NM_001127208.3(TET2):c.3376A>T (p.Thr1126Ser)

Genes: TET2 (tet methylcytosine dioxygenase 2; plus strand), TET2-AS1 (TET2 antisense RNA 1; minus strand). Cytogenetic location: 4q24.
Variant type: single nucleotide variant.
Coding change: c.3376A>T on transcript NM_001127208.3 (MANE Select); coding-DNA position 3376, A replaced by T.
Protein change: p.Thr1126Ser; replaces threonine 1126 with serine.
Molecular consequence: missense variant.
Genome position (GRCh38, 1-based): chr4:105,237,318, A>T. VCF-style: chr4-105237318-A-T. GRCh37 (hg19) VCF-style: chr4-106158475-A-T.
Other names: c.3376A>T, p.Thr1126Ser (NM_017628.4); short protein forms T1126S.
Identifiers: ClinVar variation 3967652 (VCV003967652.1).